The following is an entry in ClinVar:

ClinVar aggregate classification (germline): Likely benign. Review status: criteria provided, multiple submitters, no conflicts (2 of 4 stars). 5 submissions from 5 submitters: Likely benign (5). Last evaluated 2025-09-03.

Conditions:
Cardiovascular phenotype. Identifiers: MedGen CN230736.
Cardiomyopathy (CMYO). Also called: Cardiomyopathies. Identifiers: Orphanet 167848, MedGen C0878544, MONDO:0004994, HP:0001638. Inheritance: Various modes of inheritance.
Hypertrophic cardiomyopathy. Also called: HYPERTROPHIC MYOCARDIOPATHY. Identifiers: Orphanet 217569, MedGen C0007194, MeSH D002312, MONDO:0005045, HP:0001639.

Allele frequency attached by ClinVar (database versions not stated): gnomAD exomes below 0.00001 and 0.00001; gnomAD 0.00001; TOPMed 0.00001; ExAC 0.00003; ESP Exome Variant Server 0.00008.
gnomAD v4.1: 2 of 1,600,856 alleles (0.00012%); highest among the groups gnomAD compares: African/African-American, 0.0027%; no homozygotes.

Submissions (5):

Labcorp Genetics (formerly Invitae), Labcorp
Classification: Likely benign for Hypertrophic cardiomyopathy. Last evaluated: 2025-09-03. Review status: criteria provided, single submitter. Criteria: Invitae Variant Classification Sherloc (09022015). Collection method: clinical testing. Allele origin: germline.

All of Us Research Program, National Institutes of Health
Classification: Likely benign for Hypertrophic cardiomyopathy. Last evaluated: 2023-07-10. Review status: criteria provided, single submitter. Criteria: ACMG Guidelines, 2015. Collection method: clinical testing. Allele origin: germline. Inheritance: Autosomal dominant inheritance. Observed: 2 variant alleles, 2 heterozygotes.
Comment: This study involves interpretation of variants in research participants for the purpose of population health screening. Participant phenotype was not available at the time of variant classification. Additional details can be found in publication PMID: 35346344, PMCID: PMC8962531

Ambry Genetics
Classification: Likely benign for Cardiovascular phenotype. Last evaluated: 2022-05-06. Review status: criteria provided, single submitter. Criteria: Ambry Variant Classification Scheme 2023. Collection method: clinical testing. Allele origin: germline.

Color Diagnostics, LLC DBA Color Health
Classification: Likely benign for Cardiomyopathy. Last evaluated: 2019-11-24. Review status: criteria provided, single submitter. Criteria: ACMG Guidelines, 2015. Collection method: clinical testing. Allele origin: germline.

GeneDx
Classification: Likely benign. Last evaluated: 2016-10-25. Review status: criteria provided, single submitter. Criteria: GeneDx Variant Classification (06012015). Collection method: clinical testing. Allele origin: germline. Affected: yes.
Comment: This variant is considered likely benign or benign based on one or more of the following criteria: it is a conservative change, it occurs at a poorly conserved position in the protein, it is predicted to be benign by multiple in silico algorithms, and/or has population frequency not consistent with disease.

NM_000256.3(MYBPC3):c.3168C>T (p.Ala1056=)

Gene: MYBPC3 (myosin binding protein C3; minus strand). Cytogenetic location: 11p11.2.
Variant type: single nucleotide variant.
Coding change: c.3168C>T on transcript NM_000256.3 (MANE Select); coding-DNA position 3168, C replaced by T.
Protein change: p.Ala1056=; no amino-acid change (alanine 1056 retained).
Molecular consequence: synonymous variant.
Genome position (GRCh38, 1-based): chr11:47,333,579, G>A on the plus strand (C>T on the coding strand, the complement: MYBPC3 is on the minus strand). VCF-style: chr11-47333579-G-A. GRCh37 (hg19) VCF-style: chr11-47355130-G-A.
Other names: c.3168C>T, p.Ala1056= (LRG_386t1).
Identifiers: ClinVar variation 390223 (VCV000390223.13), dbSNP rs373208282, ClinGen allele CA079174.